The following is an entry in ClinVar:

ClinVar aggregate classification (germline): Uncertain significance (1 of 4 stars; one submission).

Submission:

Labcorp Genetics (formerly Invitae), Labcorp
Classification: Uncertain significance. Last evaluated: 2024-06-19. Review status: criteria provided, single submitter. Criteria: Invitae Variant Classification Sherloc (09022015). Collection method: clinical testing. Allele origin: germline.
Comment: This sequence change replaces aspartic acid, which is acidic and polar, with glutamic acid, which is acidic and polar, at codon 1309 of the COL2A1 protein (p.Asp1309Glu). This variant is not present in population databases (gnomAD no frequency). This variant has not been reported in the literature in individuals affected with COL2A1-related conditions. Advanced modeling of protein sequence and biophysical properties (such as structural, functional, and spatial information, amino acid conservation, physicochemical variation, residue mobility, and thermodynamic stability) performed at Invitae indicates that this missense variant is expected to disrupt COL2A1 protein function with a positive predictive value of 95%. In summary, the available evidence is currently insufficient to determine the role of this variant in disease. Therefore, it has been classified as a Variant of Uncertain Significance.

NM_001844.5(COL2A1):c.3927C>G (p.Asp1309Glu)

Gene: COL2A1 (collagen type II alpha 1 chain; minus strand). Cytogenetic location: 12q13.11.
Variant type: single nucleotide variant.
Coding change: c.3927C>G on transcript NM_001844.5 (MANE Select); coding-DNA position 3927, C replaced by G.
Protein change: p.Asp1309Glu; replaces aspartic acid 1309 with glutamic acid.
Molecular consequence: missense variant.
Genome position (GRCh38, 1-based): chr12:47,974,822, G>C on the plus strand (C>G on the coding strand, the complement: COL2A1 is on the minus strand). VCF-style: chr12-47974822-G-C. GRCh37 (hg19) VCF-style: chr12-48368605-G-C.
Other names: c.3720C>G, p.Asp1240Glu (NM_033150.3); short protein forms D1240E, D1309E.
Identifiers: ClinVar variation 2742639 (VCV002742639.3), dbSNP rs774100575, ClinGen allele CA384536044.